The following is an entry in ClinVar:

ClinVar aggregate classification (germline): Likely benign (1 of 4 stars; one submission).

Submission:

CeGaT Center for Human Genetics Tuebingen
Classification: Likely benign. Last evaluated: 2026-05-01. Review status: criteria provided, single submitter. Criteria: CeGaT Center For Human Genetics Tuebingen Variant Classification Criteria Version 2. Collection method: clinical testing. Allele origin: germline. Affected: yes. Observed: 1 variant allele.
Comment: LMO7DN: BS2

NR_164111.1(LMO7DN):n.195C>G

Gene: LMO7DN (LMO7 downstream neighbor; plus strand). Cytogenetic location: 13q22.2.
Variant type: single nucleotide variant.
Molecular consequence: non-coding transcript variant (on NR_164111.1).
Genome position: GRCh38 VCF-style: chr13-75871232-C-G. GRCh37 (hg19) VCF-style: chr13-76445368-C-G.
Identifiers: ClinVar variation 4871959 (VCV004871959.2).
Genomic context (GRCh38, chr13:75,871,232, plus strand): 5'-TCCTGCTCCTTCTCTGAATCGGATTTTCCTGGCTGTAGAGACCAGATCAACCCTTCCATT[C>G]CATCGATTTGGGTATCTCTCTCTCTCTCTCTTTCTCTCTCTCTCTCTCTCTTTCTCTCTC-3'